The following is an entry in ClinVar:

NM_001142459.2(ASB10):c.470C>T (p.Ala157Val)

Gene: ASB10 (ankyrin repeat and SOCS box containing 10; minus strand). Cytogenetic location: 7q36.1.
Variant type: single nucleotide variant.
Coding change: c.470C>T on transcript NM_001142459.2 (MANE Select); coding-DNA position 470, C replaced by T.
Protein change: p.Ala157Val; replaces alanine 157 with valine.
Molecular consequence: missense variant.
Genome position (GRCh38, 1-based): chr7:151,186,506, G>A on the plus strand (C>T on the coding strand, the complement: ASB10 is on the minus strand). VCF-style: chr7-151186506-G-A. GRCh37 (hg19) VCF-style: chr7-150883593-G-A.
Other names: c.470C>T, p.Ala157Val (NM_001142460.1); c.425C>T, p.Ala142Val (NM_080871.4); short protein forms A142V, A157V.
Identifiers: ClinVar variation 99955 (VCV000099955.10), dbSNP rs77615410, ClinGen allele CA150488.

ClinVar aggregate classification (germline): Benign. Review status: criteria provided, multiple submitters, no conflicts (2 of 4 stars). 4 submissions from 4 submitters: Benign (3). 1 of the submissions does not count toward it. Last evaluated 2026-01-26.

Conditions:
Glaucoma 1, open angle, F (GLC1F). Identifiers: MedGen C1863926, OMIM 603383, MONDO:0011311.

Allele frequency attached by ClinVar (database versions not stated): gnomAD exomes 0.00921 and 0.02787; ESP Exome Variant Server 0.01448; gnomAD 0.02016 and 0.02228; TOPMed 0.02564; ExAC 0.04249; 1000 Genomes Project 30x 0.06230; 1000 Genomes Project 0.06569.

Submissions (4):

Labcorp Genetics (formerly Invitae), Labcorp
Classification: Benign. Last evaluated: 2026-01-26. Review status: criteria provided, single submitter. Criteria: Invitae Variant Classification Sherloc (09022015). Collection method: clinical testing. Allele origin: germline.

GeneDx
Classification: Benign. Last evaluated: 2018-08-25. Review status: criteria provided, single submitter. Criteria: GeneDx Variant Classification Process June 2021. Collection method: clinical testing. Allele origin: germline. Affected: yes.
Comment: This variant is associated with the following publications: (PMID: 22156576, 27884173, 22798626)

Breakthrough Genomics
Classification: Benign. Review status: criteria provided, single submitter. Criteria: ACMG Guidelines, 2015. Collection method: not provided. Allele origin: germline. Inheritance: Autosomal dominant inheritance. Affected: yes.

Casey Eye Institute Glaucoma Genetics Lab 
No classification provided. Condition: Glaucoma 1, open angle, F. Review status: no classification provided. Collection method: not provided. Allele origin: somatic. Not counted in ClinVar's aggregate classification.